The following is an entry in ClinVar:

ClinVar aggregate classification (germline): Uncertain significance. Review status: criteria provided, multiple submitters, no conflicts (2 of 4 stars). 4 submissions from 4 submitters: Uncertain significance (4). Last evaluated 2025-01-05.

Conditions:
Hereditary cancer-predisposing syndrome. Also called: Neoplastic Syndromes, Hereditary; Hereditary Cancer Syndrome; Tumor predisposition; Hereditary neoplastic syndrome. Identifiers: Orphanet 140162, MedGen C0027672, MeSH D009386, MONDO:0015356.
Intellectual disability, autosomal dominant 16 (CSS4). Also called: COFFIN-SIRIS SYNDROME 4. Identifiers: Orphanet 1465, MedGen C3553249, MONDO:0013821, OMIM 614609.
Rhabdoid tumor predisposition syndrome 2 (RTPS2). Identifiers: Orphanet 231108, Orphanet 69077, MedGen C2750074, MONDO:0013224, OMIM 613325.

Allele frequency attached by ClinVar (database versions not stated): gnomAD exomes below 0.00001; TOPMed below 0.00001.
gnomAD v4.1: 6 of 1,614,126 alleles (0.00037%); highest among the groups gnomAD compares: African/African-American, 0.0013%; no homozygotes.

Submissions (4):

Labcorp Genetics (formerly Invitae), Labcorp
Classification: Uncertain significance for Rhabdoid tumor predisposition syndrome 2. Last evaluated: 2025-01-05. Review status: criteria provided, single submitter. Criteria: Invitae Variant Classification Sherloc (09022015). Collection method: clinical testing. Allele origin: germline.
Comment: This sequence change replaces alanine, which is neutral and non-polar, with serine, which is neutral and polar, at codon 826 of the SMARCA4 protein (p.Ala826Ser). This variant is not present in population databases (gnomAD no frequency). This missense change has been observed in individual(s) with SMARCA4-related conditions (PMID: 37500730). ClinVar contains an entry for this variant (Variation ID: 982419). Invitae Evidence Modeling of protein sequence and biophysical properties (such as structural, functional, and spatial information, amino acid conservation, physicochemical variation, residue mobility, and thermodynamic stability) has been performed for this missense variant. However, the output from this modeling did not meet the statistical confidence thresholds required to predict the impact of this variant on SMARCA4 protein function. In summary, the available evidence is currently insufficient to determine the role of this variant in disease. Therefore, it has been classified as a Variant of Uncertain Significance.

Ambry Genetics
Classification: Uncertain significance for Hereditary cancer-predisposing syndrome. Last evaluated: 2024-06-10. Review status: criteria provided, single submitter. Criteria: Ambry Variant Classification Scheme 2023. Collection method: clinical testing. Allele origin: germline.
Comment: The p.A826S variant (also known as c.2476G>T), located in coding exon 16 of the SMARCA4 gene, results from a G to T substitution at nucleotide position 2476. The alanine at codon 826 is replaced by serine, an amino acid with similar properties. This amino acid position is well conserved in available vertebrate species. In addition, the in silico prediction for this alteration is inconclusive. Based on the available evidence, the clinical significance of this variant remains unclear.

Genome-Nilou Lab
Classification: Uncertain significance for Intellectual disability, autosomal dominant 16. Last evaluated: 2021-07-15. Review status: criteria provided, single submitter. Criteria: ACMG Guidelines, 2015. Collection method: clinical testing. Allele origin: germline. Affected: no.

HudsonAlpha Institute for Biotechnology
Classification: Uncertain significance for Intellectual disability, autosomal dominant 16. Last evaluated: 2020-07-14. Review status: criteria provided, single submitter. Criteria: ACMG Guidelines, 2015. Collection method: research. Allele origin: unknown. Observed: 1 variant allele. Study: CSER-SouthSeq.
Comment: ACMG codes:PM1, PM2, PP3

Literature cited by the submitters: PubMed 37500730 (cited by Labcorp Genetics (formerly Invitae), Labcorp).

NM_003072.5(SMARCA4):c.2476G>T (p.Ala826Ser)

Gene: SMARCA4 (SWI/SNF related BAF chromatin remodeling complex subunit ATPase 4; plus strand). Cytogenetic location: 19p13.2.
Variant type: single nucleotide variant.
Coding change: c.2476G>T on transcript NM_003072.5 (MANE Select); coding-DNA position 2476, G replaced by T.
Protein change: p.Ala826Ser; replaces alanine 826 with serine.
Molecular consequence: missense variant. On other transcripts: non-coding transcript variant (1).
Genome position (GRCh38, 1-based): chr19:11,018,994, G>T. VCF-style: chr19-11018994-G-T. GRCh37 (hg19) VCF-style: chr19-11129670-G-T.
Other names: c.2476G>T, p.Ala826Ser (NM_001128844.3, NM_001128845.2, NM_001128846.2 and 4 more transcripts); c.2476G>T (NM_001128849.1); short protein forms A826S.
Identifiers: ClinVar variation 982419 (VCV000982419.15), dbSNP rs1057524313, ClinGen allele CA404053665.